The following is an entry in ClinVar:

ClinVar aggregate classification (germline): Pathogenic/Likely pathogenic. Review status: criteria provided, multiple submitters, no conflicts (2 of 4 stars). 5 submissions from 5 submitters: Pathogenic (1); Likely pathogenic (3). 1 of the submissions does not count toward it. Last evaluated 2025-12-08.

Conditions:
ABCC6-related disorder. Also called: ABCC6-related condition.
Autosomal recessive inherited pseudoxanthoma elasticum (PXE). Identifiers: Orphanet 758, MedGen CN032334, MONDO:0009925, OMIM 264800.
Pseudoxanthoma elasticum, forme fruste. Also called: Pseudoxanthoma Elasticum, Incomplete; PSEUDOXANTHOMA ELASTICUM, HETEROZYGOUS. Identifiers: Orphanet 758, MedGen C1867450, MONDO:0008333, OMIM 177850.
Arterial calcification, generalized, of infancy, 2. Identifiers: Orphanet 51608, MedGen C3276161, MONDO:0013768, OMIM 614473.

Allele frequency attached by ClinVar (database versions not stated): gnomAD 0.00001; ExAC 0.00002; gnomAD exomes 0.00002; TOPMed 0.00002.
gnomAD v4.1: 36 of 1,612,444 alleles (0.0022%); highest among the groups gnomAD compares: Admixed American, 0.0067%; no homozygotes.

Submissions (5):

Labcorp Genetics (formerly Invitae), Labcorp
Classification: Likely pathogenic. Last evaluated: 2025-12-08. Review status: criteria provided, single submitter. Criteria: Invitae Variant Classification Sherloc (09022015). Collection method: clinical testing. Allele origin: germline.
Comment: This sequence change falls in intron 14 of the ABCC6 gene. It does not directly change the encoded amino acid sequence of the ABCC6 protein. This variant is present in population databases (rs72664207, gnomAD 0.006%). This variant has been observed in individual(s) with pseudoxanthoma elasticum (PMID: 15894595, 18157818, 21179111; internal data). This variant is also known as IVS14-5 T>G. ClinVar contains an entry for this variant (Variation ID: 427113). Studies have shown that this variant alters mRNA splicing and is expected to lead to the loss of protein expression (PMID: 34906475). In summary, the currently available evidence indicates that the variant is pathogenic, but additional data are needed to prove that conclusively. Therefore, this variant has been classified as Likely Pathogenic.

Blueprint Genetics
Classification: Pathogenic for ABCC6-related disorders. Last evaluated: 2024-06-10. Review status: criteria provided, single submitter. Criteria: ACMG Guidelines, 2015. Collection method: clinical testing. Allele origin: germline. Affected: yes. Observed: 5 variant alleles.

Fulgent Genetics
Classification: Likely pathogenic for Pseudoxanthoma elasticum, forme fruste; Autosomal recessive inherited pseudoxanthoma elasticum; Arterial calcification, generalized, of infancy, 2. Last evaluated: 2024-03-24. Review status: criteria provided, single submitter. Criteria: ACMG Guidelines, 2015. Collection method: clinical testing. Allele origin: germline.

GeneDx
Classification: Likely pathogenic. Last evaluated: 2015-06-04. Review status: criteria provided, single submitter. Criteria: GeneDx Variant Classification (06012015). Collection method: clinical testing. Allele origin: germline. Affected: yes.
Comment: The c.1868-5 T>G variant has not been published in association with pseudoxanthoma elasticum (Chassaing et al., 2005) but it also has not been observed in approximately 6,500 individuals of European and African American ancestry in the NHLBI Exome Sequencing Project, indicating it is not a common benign variant in these populations. Several in-silico splice prediction models predict that c.1868-5 T>G damages the natural acceptor site. However, in the absence of RNA/functional studies, the actual effect of this sequence change in this individual is unknown. Based on the currently available information, c.1868-5 T>G is a candidate for a disease-causing variant, although the possibility that c.1868-5 T>G is a benign variant cannot be completely excluded.

PXE International
Classification: Uncertain significance for Autosomal recessive inherited pseudoxanthoma elasticum. Last evaluated: 2021-03-01. Review status: no assertion criteria provided. Collection method: research. Allele origin: germline. Inheritance: Autosomal recessive inheritance. Affected: yes. Observed: 2 variant alleles. Not counted in ClinVar's aggregate classification.

Literature cited by the submitters: PubMed 15894595 (cited by Labcorp Genetics (formerly Invitae), Labcorp); PubMed 18157818 (cited by Labcorp Genetics (formerly Invitae), Labcorp); PubMed 21179111 (cited by Labcorp Genetics (formerly Invitae), Labcorp); PubMed 34906475 (cited by Labcorp Genetics (formerly Invitae), Labcorp).

NM_001171.6(ABCC6):c.1868-5T>G

Gene: ABCC6 (ATP binding cassette subfamily C member 6; minus strand). Cytogenetic location: 16p13.11.
Variant type: single nucleotide variant.
Coding change: c.1868-5T>G on transcript NM_001171.6 (MANE Select); 5 bases into the intron before coding-DNA position 1868, T replaced by G.
Molecular consequence: intron variant.
Genome position (GRCh38, 1-based): chr16:16,185,039, A>C on the plus strand (T>G on the coding strand, the complement: ABCC6 is on the minus strand). VCF-style: chr16-16185039-A-C. GRCh37 (hg19) VCF-style: chr16-16278896-A-C.
Other names: c.1526-5T>G (NM_001351800.1).
Identifiers: ClinVar variation 427113 (VCV000427113.11), dbSNP rs72664207, ClinGen allele CA7926120.